The following is an entry in ClinVar:

ClinVar aggregate classification (germline): Likely pathogenic (1 of 4 stars; one submission).

Conditions:
Atypical hemolytic-uremic syndrome with I factor anomaly. Also called: HEMOLYTIC UREMIC SYNDROME, ATYPICAL, SUSCEPTIBILITY TO, 3; AHUS, SUSCEPTIBILITY TO, 3. Identifiers: Orphanet 2134, MedGen C2752039, MONDO:0013041, OMIM 612923.
Factor I deficiency (CFID). Also called: Complement factor I deficiency. Identifiers: Orphanet 200418, MedGen C3463916, MONDO:0012594, OMIM 610984.
Age related macular degeneration 13. Identifiers: MedGen C3809523, MONDO:0014189, OMIM 615439.

Submission:

Fulgent Genetics
Classification: Likely pathogenic for Factor I deficiency; Atypical hemolytic-uremic syndrome with I factor anomaly; Age related macular degeneration 13. Last evaluated: 2021-06-30. Review status: criteria provided, single submitter. Criteria: ACMG Guidelines, 2015. Collection method: clinical testing. Allele origin: unknown.
Comment: This variant has been detected in individual(s) who were sent for testing of Renasight - kidney gene panel.

NM_000204.5(CFI):c.1638G>A (p.Trp546Ter)

Gene: CFI (complement factor I; minus strand). Cytogenetic location: 4q25.
Variant type: single nucleotide variant.
Coding change: c.1638G>A on transcript NM_000204.5 (MANE Select); coding-DNA position 1638, G replaced by A.
Protein change: p.Trp546Ter; replaces tryptophan 546 with a stop codon.
Molecular consequence: nonsense. On other transcripts: intron variant (5), non-coding transcript variant (3).
Genome position (GRCh38, 1-based): chr4:109,741,007, C>T on the plus strand (G>A on the coding strand, the complement: CFI is on the minus strand). VCF-style: chr4-109741007-C-T. GRCh37 (hg19) VCF-style: chr4-110662163-C-T.
Other names: c.1513+1484G>A (NM_001375280.1, NM_001375282.1); c.1534+1484G>A (NM_001375281.1, NM_001375279.1); c.1558+1484G>A (NM_001375278.1); c.1662G>A, p.Trp554Ter (NM_001318057.2); c.1617G>A, p.Trp539Ter (NM_001331035.2); c.1581G>A, p.Trp527Ter (NM_001375283.1); c.1029G>A, p.Trp343Ter (NM_001375284.1); short protein forms W343*, W527*, W539*, W546*, W554*.
Identifiers: ClinVar variation 1179053 (VCV001179053.2), dbSNP rs2126178088, ClinGen allele CA357854495.
Genomic context (GRCh38, chr4:109,741,007, plus strand): 5'-AAAATAATTGGCCACTTTGGTGTAAACACCTGGGAACTCTGGTTTTCCACAGTTTTCCCC[C>T]CAACTCACAACACCCCAGACATAAGTCACATTGTTGGCATCCATACAGACTAAGGGGCCT-3'